The following is an entry in ClinVar:

NM_001384732.1(CPLANE1):c.9574C>G (p.Leu3192Val)

Gene: CPLANE1 (ciliogenesis and planar polarity effector complex subunit 1; minus strand). Cytogenetic location: 5p13.2.
Variant type: single nucleotide variant.
Coding change: c.9574C>G on transcript NM_001384732.1 (MANE Select); coding-DNA position 9574, C replaced by G.
Protein change: p.Leu3192Val; replaces leucine 3192 with valine.
Molecular consequence: missense variant.
Genome position (GRCh38, 1-based): chr5:37,108,298, G>C on the plus strand (C>G on the coding strand, the complement: CPLANE1 is on the minus strand). VCF-style: chr5-37108298-G-C. GRCh37 (hg19) VCF-style: chr5-37108400-G-C.
Other names: c.9412C>G, p.Leu3138Val (NM_023073.4); short protein forms L3138V, L3192V.
Identifiers: ClinVar variation 353414 (VCV000353414.13), dbSNP rs886060572, ClinGen allele CA10620360.

ClinVar aggregate classification (germline): Uncertain significance. Review status: criteria provided, multiple submitters, no conflicts (2 of 4 stars). 3 submissions from 3 submitters: Uncertain significance (3). Last evaluated 2022-08-07.

Conditions:
Joubert syndrome 17 (JBTS17). Identifiers: Orphanet 475, MedGen C3553264, MONDO:0013824, OMIM 614615.
Orofaciodigital syndrome type 6 (OFD6). Also called: OROFACIODIGITAL SYNDROME VI; OFDS VI; POLYDACTYLY, CLEFT LIP/PALATE OR LINGUAL LUMP, AND PSYCHOMOTOR RETARDATION; VARADI SYNDROME; VARADI-PAPP SYNDROME; Oral-facial-digital syndrome type 6. Identifiers: Orphanet 2754, MedGen C2745997, MONDO:0010176, OMIM 277170.

Allele frequency attached by ClinVar (database versions not stated): gnomAD exomes below 0.00001; gnomAD 0.00001 and 0.00002; TOPMed 0.00002.
gnomAD v4.1: 7 of 1,613,318 alleles (0.00043%); highest among the groups gnomAD compares: Admixed American, 0.0017%; no homozygotes.

Submissions (3):

Labcorp Genetics (formerly Invitae), Labcorp
Classification: Uncertain significance. Last evaluated: 2022-08-07. Review status: criteria provided, single submitter. Criteria: Invitae Variant Classification Sherloc (09022015). Collection method: clinical testing. Allele origin: germline.
Comment: In summary, the available evidence is currently insufficient to determine the role of this variant in disease. Therefore, it has been classified as a Variant of Uncertain Significance. Advanced modeling of protein sequence and biophysical properties (such as structural, functional, and spatial information, amino acid conservation, physicochemical variation, residue mobility, and thermodynamic stability) performed at Invitae indicates that this missense variant is not expected to disrupt CPLANE1 protein function. ClinVar contains an entry for this variant (Variation ID: 353414). This variant has not been reported in the literature in individuals affected with CPLANE1-related conditions. This variant is not present in population databases (gnomAD no frequency). This sequence change replaces leucine, which is neutral and non-polar, with valine, which is neutral and non-polar, at codon 3138 of the CPLANE1 protein (p.Leu3138Val).

Fulgent Genetics
Classification: Uncertain significance for Orofaciodigital syndrome type 6; Joubert syndrome 17. Last evaluated: 2021-10-28. Review status: criteria provided, single submitter. Criteria: ACMG Guidelines, 2015. Collection method: clinical testing. Allele origin: unknown.

Illumina Laboratory Services, Illumina
Classification: Uncertain significance for Joubert syndrome 17. Last evaluated: 2018-01-12. Review status: criteria provided, single submitter. Criteria: ICSL Variant Classification Criteria 13 December 2019. Collection method: clinical testing. Allele origin: germline.